The following is an entry in ClinVar:

ClinVar aggregate classification (germline): Uncertain significance (1 of 4 stars; one submission).

Conditions:
Microcephaly, seizures, and developmental delay. Identifiers: Orphanet 1934, MedGen C3150667, MONDO:0013254, OMIM 613402.

gnomAD v4.1: 1 of 1,550,162 alleles (0.000065%); highest among the groups gnomAD compares: Non-Finnish European, 0.000087%; no homozygotes.

Submission:

Foundation for Research in Genetics and Endocrinology, FRIGE's Institute of Human Genetics
Classification: Uncertain significance for Microcephaly, seizures, and developmental delay. Last evaluated: 2025-05-31. Review status: criteria provided, single submitter. Criteria: ACMG Guidelines, 2015. Collection method: clinical testing. Allele origin: germline. Inheritance: Autosomal recessive inheritance. Affected: yes. Observed: 1 homozygote.
Comment: A homozygous missense variant in exon 15 of the PNKP gene that results in the amino acid substitution of Tyrosine for Cysteine at codon 445 (p.Cys445Tyr) was detected. The p.Cys445Tyr variant has not been reported in the 1000 genomes, gnomAD (v3.1), gnomAD (v2.1) and topmed databases. The in-silico predictions of the variant is damaging by SIFT and LRT. The reference codon is conserved across species. In summary, the variant meets our criteria to be classified as variant of uncertain significance.

NM_007254.4(PNKP):c.1334G>A (p.Cys445Tyr)

Gene: PNKP (polynucleotide kinase 3'-phosphatase; minus strand). Cytogenetic location: 19q13.33.
Variant type: single nucleotide variant.
Coding change: c.1334G>A on transcript NM_007254.4 (MANE Select); coding-DNA position 1334, G replaced by A.
Protein change: p.Cys445Tyr; replaces cysteine 445 with tyrosine.
Molecular consequence: missense variant.
Genome position (GRCh38, 1-based): chr19:49,861,660, C>T on the plus strand (G>A on the coding strand, the complement: PNKP is on the minus strand). VCF-style: chr19-49861660-C-T. GRCh37 (hg19) VCF-style: chr19-50364917-C-T.
Other names: p.Cys445Tyr; short protein forms C445Y.
Identifiers: ClinVar variation 3901848 (VCV003901848.1).